The following is an entry in ClinVar:

NM_002454.3(MTRR):c.1454G>A (p.Arg485Gln)

Gene: MTRR (5-methyltetrahydrofolate-homocysteine methyltransferase reductase; plus strand). Cytogenetic location: 5p15.31.
Variant type: single nucleotide variant.
Coding change: c.1454G>A on transcript NM_002454.3 (MANE Select); coding-DNA position 1454, G replaced by A.
Protein change: p.Arg485Gln; replaces arginine 485 with glutamine.
Molecular consequence: missense variant. On other transcripts: non-coding transcript variant (14).
Genome position (GRCh38, 1-based): chr5:7,892,810, G>A. VCF-style: chr5-7892810-G-A. GRCh37 (hg19) VCF-style: chr5-7892923-G-A.
Other names: c.1454G>A, p.Arg485Gln (NM_024010.4, NM_001364440.2, NM_001364441.2 and 1 more transcripts); c.1454G>A (NM_002454.2); short protein forms R485Q.
Identifiers: ClinVar variation 1942068 (VCV001942068.6), dbSNP rs146475928, ClinGen allele CA3195955.
Genomic context (GRCh38, chr5:7,892,810, plus strand): 5'-AGCTCCATTTTGTCTTCAACATTGTGGAATTTCTGTCTACTGCCACAACAGAGGTTCTGC[G>A]GAAGGGAGTATGTACAGGCTGGCTGGCCTTGTTGGTTGCTTCAGTTCTTCAGCCAAACAT-3'
Protein context (NP_002445.2, residues 475-495): FLSTATTEVL[Arg485Gln]KGVCTGWLAL

ClinVar aggregate classification (germline): Uncertain significance. Review status: criteria provided, multiple submitters, no conflicts (2 of 4 stars). 2 submissions from 2 submitters: Uncertain significance (2). Last evaluated 2025-08-30.

Conditions:
Inborn genetic diseases. Identifiers: MedGen C0950123, MeSH D030342.
Methylcobalamin deficiency type cblE (HMAE). Also called: VITAMIN B12-RESPONSIVE HOMOCYSTINURIA, cblE TYPE; HOMOCYSTINURIA-MEGALOBLASTIC ANEMIA, cblE COMPLEMENTATION TYPE; HOMOCYSTINURIA-MEGALOBLASTIC ANEMIA, cblE TYPE. Identifiers: Orphanet 2169, Orphanet 622, MedGen C1856057, MONDO:0009354, OMIM 236270.

Allele frequency attached by ClinVar (database versions not stated): TOPMed 0.00005; ExAC 0.00007; gnomAD 0.00007; gnomAD exomes 0.00012; ESP Exome Variant Server 0.00015.
gnomAD v4.1: 178 of 1,614,050 alleles (0.011%); highest among the groups gnomAD compares: Admixed American, 0.017%; no homozygotes.

Submissions (2):

Ambry Genetics
Classification: Uncertain significance for Inborn genetic diseases. Last evaluated: 2025-08-30. Review status: criteria provided, single submitter. Criteria: Ambry Variant Classification Scheme 2023. Collection method: clinical testing. Allele origin: germline.

Labcorp Genetics (formerly Invitae), Labcorp
Classification: Uncertain significance for Methylcobalamin deficiency type cblE. Last evaluated: 2024-12-09. Review status: criteria provided, single submitter. Criteria: Invitae Variant Classification Sherloc (09022015). Collection method: clinical testing. Allele origin: germline.
Comment: This sequence change replaces arginine, which is basic and polar, with glutamine, which is neutral and polar, at codon 485 of the MTRR protein (p.Arg485Gln). This variant is present in population databases (rs146475928, gnomAD 0.01%). This variant has not been reported in the literature in individuals affected with MTRR-related conditions. ClinVar contains an entry for this variant (Variation ID: 1942068). Invitae Evidence Modeling of protein sequence and biophysical properties (such as structural, functional, and spatial information, amino acid conservation, physicochemical variation, residue mobility, and thermodynamic stability) has been performed for this missense variant. However, the output from this modeling did not meet the statistical confidence thresholds required to predict the impact of this variant on MTRR protein function. In summary, the available evidence is currently insufficient to determine the role of this variant in disease. Therefore, it has been classified as a Variant of Uncertain Significance.